The following is an entry in ClinVar:

NM_006206.6(PDGFRA):c.2880+1GT[2]

Gene: PDGFRA (platelet derived growth factor receptor alpha; plus strand). Cytogenetic location: 4q12.
Variant type: Microsatellite.
Coding change: c.2880+1GT[2] on transcript NM_006206.6 (MANE Select); two copies in a row of the 2-base unit GT starting at c.2880+1; the reference has three copies in a row; one copy, 2 bases deleted.
Molecular consequence: splice donor variant.
Genome position (GRCh38, 1-based): chr4:54,289,119-54,289,120, GT deleted; deleting any 2 consecutive bases within chr4:54,289,115-54,289,120 gives the same sequence; the position shown is the placement nearest the transcript's 3' end. VCF-style (leftmost placement, unchanged base first): chr4-54289114-GGT-G. GRCh37 (hg19) VCF-style: chr4-55155281-GGT-G.
Other names: c.2955+1GT[2] (NM_001347828.2); c.2880+1GT[2] (NM_001347829.2); c.2919+1GT[2] (NM_001347830.2); c.2880+5_2880+6delGT (NM_006206.4).
Identifiers: ClinVar variation 1041876 (VCV001041876.4), dbSNP rs1724504809, ClinGen allele CA1458539538.

ClinVar aggregate classification (germline): Uncertain significance. Review status: criteria provided, multiple submitters, no conflicts (2 of 4 stars). 2 submissions from 2 submitters: Uncertain significance (2). Last evaluated 2025-11-03.

Conditions:
Hereditary cancer-predisposing syndrome. Also called: Tumor predisposition; Neoplastic Syndromes, Hereditary; Hereditary neoplastic syndrome; Hereditary Cancer Syndrome. Identifiers: Orphanet 140162, MedGen C0027672, MeSH D009386, MONDO:0015356.
Gastrointestinal stromal tumor. Also called: Gastrointestinal stromal tumor, somatic; Gastrointestinal stroma tumor. Identifiers: Orphanet 44890, MedGen C0238198, MeSH D046152, MONDO:0011719, OMIM 606764, HP:0100723.

Submissions (2):

Labcorp Genetics (formerly Invitae), Labcorp
Classification: Uncertain significance for Gastrointestinal stromal tumor. Last evaluated: 2025-11-03. Review status: criteria provided, single submitter. Criteria: Invitae Variant Classification Sherloc (09022015). Collection method: clinical testing. Allele origin: germline.
Comment: This sequence change falls in intron 21 of the PDGFRA gene. It does not directly change the encoded amino acid sequence of the PDGFRA protein. It affects a nucleotide within the consensus splice site. This variant is not present in population databases (gnomAD no frequency). This variant has not been reported in the literature in individuals affected with PDGFRA-related conditions. Variants that disrupt the consensus splice site are a relatively common cause of aberrant splicing (PMID: 17576681, 9536098). Algorithms developed to predict the effect of sequence changes on RNA splicing suggest that this variant may disrupt the consensus splice site. In summary, the available evidence is currently insufficient to determine the role of this variant in disease. Therefore, it has been classified as a Variant of Uncertain Significance.

Ambry Genetics
Classification: Uncertain significance for Hereditary cancer-predisposing syndrome. Last evaluated: 2025-07-24. Review status: criteria provided, single submitter. Criteria: Ambry Variant Classification Scheme 2023. Collection method: clinical testing. Allele origin: germline.
Comment: The c.2880+5_2880+6delGT intronic variant, located in intron 20 of the PDGFRA gene, results from a deletion of two nucleotides (GT) within intron 20 of the PDGFRA gene. These nucleotide positions are well conserved in available vertebrate species. In silico splice site analysis predicts that this alteration will not have any significant effect on splicing. Based on the available evidence, the clinical significance of this variant remains unclear.

Literature cited by the submitters: PubMed 17576681 (cited by Labcorp Genetics (formerly Invitae), Labcorp); PubMed 9536098 (cited by Labcorp Genetics (formerly Invitae), Labcorp).